The following is an entry in ClinVar:

ClinVar aggregate classification (germline): Uncertain significance (1 of 4 stars; one submission).

gnomAD v4.1: 3 of 1,611,434 alleles (0.00019%); highest among the groups gnomAD compares: Non-Finnish European, 0.00025%; no homozygotes.

Submission:

Labcorp Genetics (formerly Invitae), Labcorp
Classification: Uncertain significance. Last evaluated: 2024-10-13. Review status: criteria provided, single submitter. Criteria: Invitae Variant Classification Sherloc (09022015). Collection method: clinical testing. Allele origin: germline.
Comment: This sequence change falls in intron 1 of the PDE6B gene. It does not directly change the encoded amino acid sequence of the PDE6B protein. It affects a nucleotide within the consensus splice site. This variant is not present in population databases (gnomAD no frequency). This variant has not been reported in the literature in individuals affected with PDE6B-related conditions. Variants that disrupt the consensus splice site are a relatively common cause of aberrant splicing (PMID: 17576681, 9536098). Algorithms developed to predict the effect of sequence changes on RNA splicing suggest that this variant may disrupt the consensus splice site. In summary, the available evidence is currently insufficient to determine the role of this variant in disease. Therefore, it has been classified as a Variant of Uncertain Significance.

Literature cited by the submitters: PubMed 17576681; PubMed 9536098.

NM_000283.4(PDE6B):c.469-3C>A

Gene: PDE6B (phosphodiesterase 6B; plus strand). Cytogenetic location: 4p16.3.
Variant type: single nucleotide variant.
Coding change: c.469-3C>A on transcript NM_000283.4 (MANE Select); 3 bases into the intron before coding-DNA position 469, C replaced by A.
Molecular consequence: intron variant.
Genome position (GRCh38, 1-based): chr4:634,674, C>A. VCF-style: chr4-634674-C-A. GRCh37 (hg19) VCF-style: chr4-628463-C-A.
Other names: c.469-3C>A (NM_001145291.2).
Identifiers: ClinVar variation 3712698 (VCV003712698.2).